The following is an entry in ClinVar:

ClinVar aggregate classification (germline): Conflicting classifications of pathogenicity. Review status: criteria provided, conflicting classifications (1 of 4 stars). 13 submissions from 13 submitters: Uncertain significance (10); Likely benign (1). 2 of the submissions do not count toward it. Last evaluated 2025-03-07.

Conditions:
TTN-related disorder. Also called: TTN-related condition; TTN-related disease; TTN-related disorders.
Dilated cardiomyopathy 1G (CMD1G). Identifiers: Orphanet 154, MedGen C1858763, MONDO:0011400, OMIM 604145.
Autosomal recessive limb-girdle muscular dystrophy type 2J (LGMDR10). Also called: Limb-girdle muscular dystrophy, type 2J; MUSCULAR DYSTROPHY, LIMB-GIRDLE, AUTOSOMAL RECESSIVE 10. Identifiers: Orphanet 140922, MedGen C1837342, MONDO:0012127, OMIM 608807.
Cardiovascular phenotype. Identifiers: MedGen CN230736.
Myopathy, myofibrillar, 9, with early respiratory failure (MFM9). Also called: Hereditary myopathy with early respiratory failure; Myopathy, distal, with early respiratory failure, autosomal dominant; EDSTROM MYOPATHY; MYOPATHY, PROXIMAL, WITH EARLY RESPIRATORY MUSCLE INVOLVEMENT. Identifiers: Orphanet 178464, Orphanet 34521, MedGen C1863599, MONDO:0011362, OMIM 603689.
Tibial muscular dystrophy (TMD). Also called: Udd Distal Myopathy – Tibial Muscular Dystrophy; Tibial muscular dystrophy, tardive; UDD MYOPATHY. Identifiers: Orphanet 609, MedGen C1838244, MONDO:0010870, OMIM 600334.
Early-onset myopathy with fatal cardiomyopathy (CMYO5). Also called: Salih Myopathy; CONGENITAL MYOPATHY 5 WITH CARDIOMYOPATHY. Identifiers: Orphanet 289377, MedGen C2673677, MONDO:0012714, OMIM 611705. Disease mechanism: loss of function.
Hypertrophic cardiomyopathy 9. Also called: Familial hypertrophic cardiomyopathy 9. Identifiers: MedGen C1861065, MONDO:0013412, OMIM 613765.
Cardiomyopathy (CMYO). Also called: Cardiomyopathies. Identifiers: Orphanet 167848, MedGen C0878544, MONDO:0004994, HP:0001638. Inheritance: Various modes of inheritance.

Allele frequency attached by ClinVar (database versions not stated): gnomAD 0.00001; ExAC 0.00002; gnomAD exomes 0.00002 and 0.00004; TOPMed 0.00002.
gnomAD v4.1: 51 of 1,611,452 alleles (0.0032%); highest among the groups gnomAD compares: East Asian, 0.0067%; no homozygotes.

Submissions (13):

PreventionGenetics, part of Exact Sciences
Classification: Uncertain significance for TTN-related condition. Last evaluated: 2025-03-07. Review status: criteria provided, single submitter. Criteria: ACMG Guidelines, 2015. Collection method: clinical testing. Allele origin: germline.
Comment: The TTN c.70181C>T variant is predicted to result in the amino acid substitution p.Thr23394Met. To our knowledge, this variant has not been reported in the literature. This variant is reported in 0.0087% of alleles in individuals of Latino descent in gnomAD. At this time, the clinical significance of this variant is uncertain due to the absence of conclusive functional and genetic evidence.

Athena Diagnostics
Classification: Uncertain significance. Last evaluated: 2022-02-25. Review status: criteria provided, single submitter. Criteria: Athena Diagnostics Criteria. Collection method: clinical testing. Allele origin: unknown.

Fulgent Genetics
Classification: Uncertain significance for Tibial muscular dystrophy; Myopathy, myofibrillar, 9, with early respiratory failure; Dilated cardiomyopathy 1G; Autosomal recessive limb-girdle muscular dystrophy type 2J; Early-onset myopathy with fatal cardiomyopathy; Hypertrophic cardiomyopathy 9. Last evaluated: 2021-10-04. Review status: criteria provided, single submitter. Criteria: ACMG Guidelines, 2015. Collection method: clinical testing. Allele origin: unknown.

Blueprint Genetics
Classification: Likely benign. Last evaluated: 2021-03-04. Review status: criteria provided, single submitter. Criteria: ACMG Guidelines, 2015. Collection method: clinical testing. Allele origin: germline.

Ambry Genetics
Classification: Uncertain significance for Cardiovascular phenotype. Last evaluated: 2020-08-21. Review status: criteria provided, single submitter. Criteria: Ambry Variant Classification Scheme 2023. Collection method: clinical testing. Allele origin: germline.
Comment: The p.T14329M variant (also known as c.42986C>T), located in coding exon 153 of the TTN gene, results from a C to T substitution at nucleotide position 42986. The threonine at codon 14329 is replaced by methionine, an amino acid with similar properties. This amino acid position is highly conserved in available vertebrate species. In addition, the in silico prediction for this alteration is inconclusive. Since supporting evidence is limited at this time, the clinical significance of this alteration remains unclear.

Mayo Clinic Laboratories, Mayo Clinic
Classification: Uncertain significance. Last evaluated: 2020-07-23. Review status: criteria provided, single submitter. Criteria: ACMG Guidelines, 2015. Collection method: clinical testing. Allele origin: germline. Observed: 1 variant allele.

CHEO Genetics Diagnostic Laboratory, Children's Hospital of Eastern Ontario
Classification: Uncertain significance for Cardiomyopathy. Last evaluated: 2020-01-27. Review status: criteria provided, single submitter. Criteria: ACMG Guidelines, 2015. Collection method: clinical testing. Allele origin: germline.

Revvity Omics, Revvity
Classification: Uncertain significance. Last evaluated: 2019-07-25. Review status: criteria provided, single submitter. Criteria: ACMG Guidelines, 2015. Collection method: clinical testing. Allele origin: germline.

CeGaT Center for Human Genetics Tuebingen
Classification: Uncertain significance. Last evaluated: 2018-01-01. Review status: criteria provided, single submitter. Criteria: CeGaT Center For Human Genetics Tuebingen Variant Classification Criteria Version 2. Collection method: clinical testing. Allele origin: germline. Affected: yes. Observed: 1 variant allele.

Labcorp Genetics (formerly Invitae), Labcorp
Classification: Uncertain significance for Dilated cardiomyopathy 1G; Autosomal recessive limb-girdle muscular dystrophy type 2J. Last evaluated: 2016-12-24. Review status: criteria provided, single submitter. Criteria: Invitae Variant Classification Sherloc (09022015). Collection method: clinical testing. Allele origin: germline.

Laboratory for Molecular Medicine, Mass General Brigham Personalized Medicine
Classification: Uncertain significance. Last evaluated: 2012-01-19. Review status: criteria provided, single submitter. Criteria: LMM Criteria. Collection method: clinical testing. Allele origin: germline. Observed: 2 variant alleles.
Comment: The Thr20826Met variant (TTN) has not been reported in the literature nor previo usly identified by our laboratory. Computational analyses (biochemical amino aci d properties, conservation, AlignGVGD and SIFT) do not provide strong support fo r or against pathogenicity. Additional information is needed to fully assess the clinical significance of the Thr20826Met variant.

Clinical Genetics DNA and cytogenetics Diagnostics Lab, Erasmus MC, Erasmus Medical Center
Classification: Uncertain significance. Review status: no assertion criteria provided. Collection method: clinical testing. Allele origin: germline. Affected: yes. Study: VKGL Data-share Consensus. Not counted in ClinVar's aggregate classification.

Diagnostic Laboratory, Department of Genetics, University Medical Center Groningen
Classification: Uncertain significance. Review status: no assertion criteria provided. Collection method: clinical testing. Allele origin: germline. Affected: yes. Study: VKGL Data-share Consensus. Not counted in ClinVar's aggregate classification.

NM_001267550.2(TTN):c.70181C>T (p.Thr23394Met)

Genes: TTN (titin; minus strand), TTN-AS1 (TTN antisense RNA 1; plus strand), LOC126806422 (BRD4-independent group 4 enhancer GRCh37_chr2:179440205-179441404; plus strand). Cytogenetic location: 2q31.2.
Variant type: single nucleotide variant.
Coding change: c.70181C>T on transcript NM_001267550.2 (MANE Select); coding-DNA position 70181, C replaced by T.
Protein change: p.Thr23394Met; replaces threonine 23394 with methionine.
Molecular consequence: missense variant.
Genome position (GRCh38, 1-based): chr2:178,575,951, G>A on the plus strand (C>T on the coding strand, the complement: TTN is on the minus strand). VCF-style: chr2-178575951-G-A. GRCh37 (hg19) VCF-style: chr2-179440678-G-A.
Other names: c.62477C>T, p.Thr20826Met (NM_133378.4); c.65258C>T, p.Thr21753Met (NM_001256850.1); c.42986C>T, p.Thr14329Met (NM_003319.4); c.43361C>T, p.Thr14454Met (NM_133432.3); c.43562C>T, p.Thr14521Met (NM_133437.4); c.70181C>T (NM_001267550.1); short protein forms T23394M, T20826M, T14454M, T14521M, T21753M, T14329M.
Identifiers: ClinVar variation 47283 (VCV000047283.66), dbSNP rs397517683, ClinGen allele CA140566.